The following is an entry in ClinVar:

NM_001318895.3(FHL2):c.73dup (p.Ser25fs)

Gene: FHL2 (four and a half LIM domains 2; minus strand). Cytogenetic location: 2q12.2.
Variant type: Duplication.
Coding change: c.73dup on transcript NM_001318895.3 (MANE Select); coding-DNA position 73, one base duplicated (A; older notation c.73dupA).
Protein change: p.Ser25fs; shifts the reading frame from serine 25.
Molecular consequence: frameshift variant. On other transcripts: 5 prime UTR variant (3).
Genome position (GRCh38, 1-based): chr2:105,386,444, T duplicated on the plus strand (A on the coding strand, the reverse complement: FHL2 is on the minus strand). VCF-style (leftmost placement, unchanged base first): chr2-105386443-C-CT. GRCh37 (hg19) VCF-style: chr2-106002900-C-CT.
Other names: c.73dup, p.Ser25fs (NM_001039492.3, NM_001318894.1, NM_001318896.2 and 4 more transcripts); c.-95dup (NM_001318897.2, NM_001318898.2); c.-374dup (NM_001318899.2); short protein forms S25fs.
Identifiers: ClinVar variation 1005806 (VCV001005806.5), dbSNP rs1682322677, ClinGen allele CA1276677403.

ClinVar aggregate classification (germline): Uncertain significance (1 of 4 stars; one submission).

Conditions:
Primary dilated cardiomyopathy (DCM). Also called: Dilated Cardiomyopathy. Identifiers: Orphanet 217604, MedGen C0007193, MeSH D002311, MONDO:0005021, HP:0001644. Inheritance: Various modes of inheritance.

Submission:

Labcorp Genetics (formerly Invitae), Labcorp
Classification: Uncertain significance for Primary dilated cardiomyopathy. Last evaluated: 2022-03-09. Review status: criteria provided, single submitter. Criteria: Invitae Variant Classification Sherloc (09022015). Collection method: clinical testing. Allele origin: germline.
Comment: This sequence change creates a premature translational stop signal (p.Ser25Lysfs*9) in the FHL2 gene. It is expected to result in an absent or disrupted protein product. However, the current clinical and genetic evidence is not sufficient to establish whether loss-of-function variants in FHL2 cause disease. This variant is not present in population databases (gnomAD no frequency). This variant has not been reported in the literature in individuals affected with FHL2-related conditions. ClinVar contains an entry for this variant (Variation ID: 1005806). In summary, the available evidence is currently insufficient to determine the role of this variant in disease. Therefore, it has been classified as a Variant of Uncertain Significance.